The following is an entry in ClinVar:

ClinVar aggregate classification (germline): Uncertain significance (1 of 4 stars; one submission).

Submission:

Labcorp Genetics (formerly Invitae), Labcorp
Classification: Uncertain significance. Last evaluated: 2024-04-05. Review status: criteria provided, single submitter. Criteria: Invitae Variant Classification Sherloc (09022015). Collection method: clinical testing. Allele origin: germline.
Comment: This sequence change replaces glycine, which is neutral and non-polar, with glutamic acid, which is acidic and polar, at codon 553 of the RHOBTB2 protein (p.Gly553Glu). This variant is not present in population databases (gnomAD no frequency). This variant has not been reported in the literature in individuals affected with RHOBTB2-related conditions. ClinVar contains an entry for this variant (Variation ID: 1482075). Advanced modeling of protein sequence and biophysical properties (such as structural, functional, and spatial information, amino acid conservation, physicochemical variation, residue mobility, and thermodynamic stability) performed at Invitae indicates that this missense variant is not expected to disrupt RHOBTB2 protein function with a negative predictive value of 80%. In summary, the available evidence is currently insufficient to determine the role of this variant in disease. Therefore, it has been classified as a Variant of Uncertain Significance.

NM_015178.3(RHOBTB2):c.1592G>A (p.Gly531Glu)

Gene: RHOBTB2 (Rho related BTB domain containing 2; plus strand). Cytogenetic location: 8p21.3.
Variant type: single nucleotide variant.
Coding change: c.1592G>A on transcript NM_015178.3 (MANE Select); coding-DNA position 1592, G replaced by A.
Protein change: p.Gly531Glu; replaces glycine 531 with glutamic acid.
Molecular consequence: missense variant.
Genome position (GRCh38, 1-based): chr8:23,008,083, G>A. VCF-style: chr8-23008083-G-A. GRCh37 (hg19) VCF-style: chr8-22865596-G-A.
Other names: c.1658G>A, p.Gly553Glu (NM_001160036.2); c.1613G>A, p.Gly538Glu (NM_001160037.2); c.1592G>A, p.Gly531Glu (NM_001374791.1); short protein forms G531E, G553E, G538E.
Identifiers: ClinVar variation 1482075 (VCV001482075.6), dbSNP rs2128805201, ClinGen allele CA370570556.